The following is an entry in ClinVar:

NM_144687.4(NLRP12):c.631C>T (p.Arg211Cys)

Gene: NLRP12 (NLR family pyrin domain containing 12; minus strand). Cytogenetic location: 19q13.42.
Variant type: single nucleotide variant.
Coding change: c.631C>T on transcript NM_144687.4 (MANE Select); coding-DNA position 631, C replaced by T.
Protein change: p.Arg211Cys; replaces arginine 211 with cysteine.
Molecular consequence: missense variant.
Genome position (GRCh38, 1-based): chr19:53,811,028, G>A on the plus strand (C>T on the coding strand, the complement: NLRP12 is on the minus strand). VCF-style: chr19-53811028-G-A. GRCh37 (hg19) VCF-style: chr19-54314282-G-A.
Other names: c.631C>T, p.Arg211Cys (NM_001277126.2, NM_001277129.1); short protein forms R211C.
Identifiers: ClinVar variation 1445990 (VCV001445990.8), dbSNP rs561178624, ClinGen allele CA9639650.

ClinVar aggregate classification (germline): Uncertain significance (1 of 4 stars; one submission).

Conditions:
Familial cold autoinflammatory syndrome 2 (FCAS2). Identifiers: Orphanet 247868, MedGen C2673198, MONDO:0012724, OMIM 611762.

Allele frequency attached by ClinVar (database versions not stated): TOPMed below 0.00001; ExAC 0.00001; gnomAD 0.00001; gnomAD exomes 0.00002; 1000 Genomes Project 30x 0.00016; 1000 Genomes Project 0.00020.

Submission:

Labcorp Genetics (formerly Invitae), Labcorp
Classification: Uncertain significance for Familial cold autoinflammatory syndrome 2. Last evaluated: 2024-07-29. Review status: criteria provided, single submitter. Criteria: Invitae Variant Classification Sherloc (09022015). Collection method: clinical testing. Allele origin: germline.
Comment: This sequence change replaces arginine, which is basic and polar, with cysteine, which is neutral and slightly polar, at codon 211 of the NLRP12 protein (p.Arg211Cys). This variant is present in population databases (rs561178624, gnomAD 0.01%). This variant has not been reported in the literature in individuals affected with NLRP12-related conditions. ClinVar contains an entry for this variant (Variation ID: 1445990). Advanced modeling of protein sequence and biophysical properties (such as structural, functional, and spatial information, amino acid conservation, physicochemical variation, residue mobility, and thermodynamic stability) performed at Invitae indicates that this missense variant is not expected to disrupt NLRP12 protein function with a negative predictive value of 80%. In summary, the available evidence is currently insufficient to determine the role of this variant in disease. Therefore, it has been classified as a Variant of Uncertain Significance.